The following is an entry in ClinVar:

ClinVar aggregate classification (germline): Conflicting classifications of pathogenicity. Review status: criteria provided, conflicting classifications (1 of 4 stars). 9 submissions from 5 submitters: Uncertain significance (5); Likely benign (3). 1 of the submissions does not count toward it. Last evaluated 2025-12-03.

Conditions:
Meckel syndrome, type 4 (MKS4). Also called: MECKEL-GRUBER SYNDROME, TYPE 4. Identifiers: Orphanet 564, MedGen C1970161, MONDO:0012626, OMIM 611134.
Bardet-Biedl syndrome 14 (BBS14). Identifiers: Orphanet 110, MedGen C2673874, MONDO:0014442, OMIM 615991.
CEP290-related disorder. Also called: CEP290-related disorders; CEP290-related condition. Identifiers: MedGen CN239314.
Meckel-Gruber syndrome. Also called: GRUBER SYNDROME; DYSENCEPHALIA SPLANCHNOCYSTICA; Dysencephalia splachnocystica. Identifiers: Orphanet 564, MedGen C0265215, MONDO:0018921.
Joubert syndrome. Also called: JOUBERT-BOLTSHAUSER SYNDROME; Familial aplasia of the vermis. Identifiers: Orphanet 475, MedGen C5979921, MONDO:0018772.
Nephronophthisis. Also called: Juvenile Nephronophthisis. Identifiers: Orphanet 655, MedGen C0687120, MONDO:0019005, HP:0000090.
Leber congenital amaurosis 10 (LCA10). Identifiers: Orphanet 65, MedGen C1857821, MONDO:0012723, OMIM 611755.
Senior-Loken syndrome 6 (SLSN6). Identifiers: Orphanet 3156, MedGen C1857779, MONDO:0012433, OMIM 610189.
Joubert syndrome 5 (JBTS5). Identifiers: Orphanet 2318, MedGen C1857780, MONDO:0012432, OMIM 610188.

Allele frequency attached by ClinVar (database versions not stated): gnomAD exomes 0.00003; ExAC 0.00004; TOPMed 0.00005; gnomAD 0.00006.
gnomAD v4.1: 53 of 1,606,278 alleles (0.0033%); highest among the groups gnomAD compares: South Asian, 0.0089%; no homozygotes.

Submissions (9):

Labcorp Genetics (formerly Invitae), Labcorp
Classification: Likely benign for Joubert syndrome; Meckel-Gruber syndrome; Nephronophthisis. Last evaluated: 2025-12-03. Review status: criteria provided, single submitter. Criteria: Invitae Variant Classification Sherloc (09022015). Collection method: clinical testing. Allele origin: germline.

Blueprint Genetics
Classification: Likely benign. Last evaluated: 2024-05-23. Review status: criteria provided, single submitter. Criteria: ACMG Guidelines, 2015. Collection method: clinical testing. Allele origin: germline.

GeneDx
Classification: Likely benign. Last evaluated: 2018-02-02. Review status: criteria provided, single submitter. Criteria: GeneDx Variant Classification (06012015). Collection method: clinical testing. Allele origin: germline. Affected: yes.
Comment: This variant is considered likely benign or benign based on one or more of the following criteria: it is a conservative change, it occurs at a poorly conserved position in the protein, it is predicted to be benign by multiple in silico algorithms, and/or has population frequency not consistent with disease.

Illumina Laboratory Services, Illumina
Classification: Uncertain significance for Leber congenital amaurosis 10. Last evaluated: 2018-01-13. Review status: criteria provided, single submitter. Criteria: ICSL Variant Classification Criteria 13 December 2019. Collection method: clinical testing. Allele origin: germline.

Illumina Laboratory Services, Illumina
Classification: Uncertain significance for Meckel syndrome, type 4. Last evaluated: 2018-01-13. Review status: criteria provided, single submitter. Criteria: ICSL Variant Classification Criteria 13 December 2019. Collection method: clinical testing. Allele origin: germline.

Illumina Laboratory Services, Illumina
Classification: Uncertain significance for Senior-Loken syndrome 6. Last evaluated: 2018-01-13. Review status: criteria provided, single submitter. Criteria: ICSL Variant Classification Criteria 13 December 2019. Collection method: clinical testing. Allele origin: germline.

Illumina Laboratory Services, Illumina
Classification: Uncertain significance for Joubert syndrome 5. Last evaluated: 2018-01-13. Review status: criteria provided, single submitter. Criteria: ICSL Variant Classification Criteria 13 December 2019. Collection method: clinical testing. Allele origin: germline.

Illumina Laboratory Services, Illumina
Classification: Uncertain significance for Bardet-Biedl syndrome 14. Last evaluated: 2018-01-13. Review status: criteria provided, single submitter. Criteria: ICSL Variant Classification Criteria 13 December 2019. Collection method: clinical testing. Allele origin: germline.

PreventionGenetics, part of Exact Sciences
Classification: Likely benign for CEP290-related condition. Last evaluated: 2021-03-15. Review status: no assertion criteria provided. Collection method: clinical testing. Allele origin: germline. Not counted in ClinVar's aggregate classification.
Comment: This variant is classified as likely benign based on ACMG/AMP sequence variant interpretation guidelines (Richards et al. 2015 PMID: 25741868, with internal and published modifications).

NM_025114.4(CEP290):c.2616G>A (p.Ser872=)

Gene: CEP290 (centrosomal protein 290; minus strand). Cytogenetic location: 12q21.32.
Variant type: single nucleotide variant.
Coding change: c.2616G>A on transcript NM_025114.4 (MANE Select); coding-DNA position 2616, G replaced by A.
Protein change: p.Ser872=; no amino-acid change (serine 872 retained).
Molecular consequence: synonymous variant.
Genome position (GRCh38, 1-based): chr12:88,106,876, C>T on the plus strand (G>A on the coding strand, the complement: CEP290 is on the minus strand). VCF-style: chr12-88106876-C-T. GRCh37 (hg19) VCF-style: chr12-88500653-C-T.
Identifiers: ClinVar variation 310611 (VCV000310611.14), dbSNP rs776360559, ClinGen allele CA6712296.
Genomic context (GRCh38, chr12:88,106,876, plus strand): 5'-ATTCACTTGCAAAACAGTAATTTTCCTACTATTTTCTGCAAGTATTTTTTTCATTTCATC[C>T]GAATCCATCTGAAGAGCATTGAGCAAATTCTGCACAAAGACACATCCATATTACTTGTTG-3'
Protein context (NP_079390.3, residues 862-882): NNLLNALQMD[Ser872=]DEMKKILAEN